The following is an entry in ClinVar:

NM_000264.5(PTCH1):c.4106C>G (p.Thr1369Ser)

Gene: PTCH1 (patched 1; minus strand). Cytogenetic location: 9q22.32.
Variant type: single nucleotide variant.
Coding change: c.4106C>G on transcript NM_000264.5 (MANE Select); coding-DNA position 4106, C replaced by G.
Protein change: p.Thr1369Ser; replaces threonine 1369 with serine.
Molecular consequence: missense variant. On other transcripts: non-coding transcript variant (1).
Genome position (GRCh38, 1-based): chr9:95,447,150, G>C on the plus strand (C>G on the coding strand, the complement: PTCH1 is on the minus strand). VCF-style: chr9-95447150-G-C. GRCh37 (hg19) VCF-style: chr9-98209432-G-C.
Other names: c.3908C>G, p.Thr1303Ser (NM_001083602.3); c.4103C>G, p.Thr1368Ser (NM_001083603.3); c.3653C>G, p.Thr1218Ser (NM_001083604.3, NM_001083605.3, NM_001083606.3 and 1 more transcripts); c.3950C>G, p.Thr1317Ser (NM_001354918.2); short protein forms T1368S, T1218S, T1317S, T1369S, T1303S.
Identifiers: ClinVar variation 2139175 (VCV002139175.4), dbSNP rs762925808, ClinGen allele CA5137954.

ClinVar aggregate classification (germline): Uncertain significance (1 of 4 stars; one submission).

Conditions:
Gorlin syndrome. Also called: Basal cell nevus syndrome; Nevoid Basal Cell Carcinoma Syndrome. Identifiers: Orphanet 377, MedGen C0004779, MONDO:0007187.

Allele frequency attached by ClinVar (database versions not stated): ExAC 0.00001.
gnomAD v4.1: 2 of 1,613,290 alleles (0.00012%); highest among the groups gnomAD compares: Non-Finnish European, 0.00017%; no homozygotes.

Submission:

Labcorp Genetics (formerly Invitae), Labcorp
Classification: Uncertain significance for Gorlin syndrome. Last evaluated: 2024-08-01. Review status: criteria provided, single submitter. Criteria: Invitae Variant Classification Sherloc (09022015). Collection method: clinical testing. Allele origin: germline.
Comment: This sequence change replaces threonine, which is neutral and polar, with serine, which is neutral and polar, at codon 1369 of the PTCH1 protein (p.Thr1369Ser). This variant is present in population databases (rs762925808, gnomAD 0.0009%). This variant has not been reported in the literature in individuals affected with PTCH1-related conditions. ClinVar contains an entry for this variant (Variation ID: 2139175). Advanced modeling of protein sequence and biophysical properties (such as structural, functional, and spatial information, amino acid conservation, physicochemical variation, residue mobility, and thermodynamic stability) performed at Invitae indicates that this missense variant is not expected to disrupt PTCH1 protein function with a negative predictive value of 95%. In summary, the available evidence is currently insufficient to determine the role of this variant in disease. Therefore, it has been classified as a Variant of Uncertain Significance.